The following is an entry in ClinVar:

NM_001737.5(C9):c.13C>T (p.Arg5Trp)

Gene: C9 (complement C9; minus strand). Cytogenetic location: 5p13.1.
Variant type: single nucleotide variant.
Coding change: c.13C>T on transcript NM_001737.5 (MANE Select); coding-DNA position 13, C replaced by T.
Protein change: p.Arg5Trp; replaces arginine 5 with tryptophan.
Molecular consequence: missense variant.
Genome position (GRCh38, 1-based): chr5:39,364,452, G>A on the plus strand (C>T on the coding strand, the complement: C9 is on the minus strand). VCF-style: chr5-39364452-G-A. GRCh37 (hg19) VCF-style: chr5-39364554-G-A.
Other names: short protein forms R5W.
Identifiers: ClinVar variation 402466 (VCV000402466.22), dbSNP rs700233, ClinGen allele CA3247174.
Genomic context (GRCh38, chr5:39,364,452, plus strand): 5'-TCGTGTACTGTGCTGTGAGGATGCTTATTTCTAAAATGCAGATTGCAACTGCAAAGCTCC[G>A]GCAGGCTGACATGCTGCTCTTGCTGGGTGGCTGCGAGTGGGGTGGCAGGGCAGGTCTGGT-3'
Protein context (NP_001728.1, residues 1-15): MSAC[Arg5Trp]SFAVAICILE

ClinVar aggregate classification (germline): Benign/Likely benign. Review status: criteria provided, multiple submitters, no conflicts (2 of 4 stars). 8 submissions from 8 submitters: Benign (4); Likely benign (2). 2 of the submissions do not count toward it. Last evaluated 2026-02-04.

Allele frequency attached by ClinVar (database versions not stated): 1000 Genomes Project 30x 0.28576; 1000 Genomes Project 0.28614; TOPMed 0.34820; gnomAD 0.35167 and 0.35371; ESP Exome Variant Server 0.36014; gnomAD exomes 0.36036 and 0.38666; ExAC 0.36427.

Submissions (8):

Labcorp Genetics (formerly Invitae), Labcorp
Classification: Benign. Last evaluated: 2026-02-04. Review status: criteria provided, single submitter. Criteria: Invitae Variant Classification Sherloc (09022015). Collection method: clinical testing. Allele origin: germline.

Women's Health and Genetics/Laboratory Corporation of America, LabCorp
Classification: Likely benign. Last evaluated: 2026-01-21. Review status: criteria provided, single submitter. Criteria: LabCorp Variant Classification Summary - May 2015. Collection method: clinical testing. Allele origin: germline.

Blueprint Genetics
Classification: Likely benign. Last evaluated: 2024-11-26. Review status: criteria provided, single submitter. Criteria: ACMG Guidelines, 2015. Collection method: clinical testing. Allele origin: germline.

Mayo Clinic Laboratories, Mayo Clinic
Classification: Benign. Last evaluated: 2022-09-06. Review status: criteria provided, single submitter. Criteria: ACMG Guidelines, 2015. Collection method: clinical testing. Allele origin: germline. Observed: 6 variant alleles.

Laboratory for Molecular Medicine, Mass General Brigham Personalized Medicine
Classification: Benign. Last evaluated: 2016-03-28. Review status: criteria provided, single submitter. Criteria: LMM Criteria. Collection method: clinical testing. Allele origin: germline.
Comment: Variant identified in a genome or exome case(s) and assessed due to predicted null impact of the variant or pathogenic assertions in the literature or databases. Disclaimer: This variant has not undergone full assessment. The following are preliminary notes: Frequency

Breakthrough Genomics
Classification: Benign. Review status: criteria provided, single submitter. Criteria: ACMG Guidelines, 2015. Collection method: not provided. Allele origin: germline. Inheritance: Autosomal dominant inheritance. Affected: yes.

Diagnostic Laboratory, Department of Genetics, University Medical Center Groningen
Classification: Benign. Review status: no assertion criteria provided. Collection method: clinical testing. Allele origin: germline. Affected: yes. Study: VKGL Data-share Consensus. Not counted in ClinVar's aggregate classification.

Joint Genome Diagnostic Labs from Nijmegen and Maastricht, Radboudumc and MUMC+
Classification: Benign. Review status: no assertion criteria provided. Collection method: clinical testing. Allele origin: germline. Affected: yes. Study: VKGL Data-share Consensus. Not counted in ClinVar's aggregate classification.